The following is an entry in ClinVar:

NM_001267550.2(TTN):c.40754C>T (p.Pro13585Leu)

Gene: TTN (titin; minus strand). Cytogenetic location: 2q31.2.
Variant type: single nucleotide variant.
Coding change: c.40754C>T on transcript NM_001267550.2 (MANE Select); coding-DNA position 40754, C replaced by T.
Protein change: p.Pro13585Leu; replaces proline 13585 with leucine.
Molecular consequence: missense variant.
Genome position (GRCh38, 1-based): chr2:178,640,080, G>A on the plus strand (C>T on the coding strand, the complement: TTN is on the minus strand). VCF-style: chr2-178640080-G-A. GRCh37 (hg19) VCF-style: chr2-179504807-G-A.
Other names: c.35831C>T, p.Pro11944Leu (NM_001256850.1); c.13559C>T, p.Pro4520Leu (NM_003319.4); c.33050C>T, p.Pro11017Leu (NM_133378.4); c.13934C>T, p.Pro4645Leu (NM_133432.3); c.14135C>T, p.Pro4712Leu (NM_133437.4); short protein forms P11017L, P11944L, P13585L, P4520L, P4645L, P4712L.
Identifiers: ClinVar variation 1314273 (VCV001314273.2), dbSNP rs746441043, ClinGen allele CA1996394.

ClinVar aggregate classification (germline): Uncertain significance (1 of 4 stars; one submission).

Allele frequency attached by ClinVar (database versions not stated): gnomAD exomes below 0.00001; ExAC 0.00001.
gnomAD v4.1: 1 of 1,612,236 alleles (0.000062%); highest among the groups gnomAD compares: South Asian, 0.0011%; no homozygotes.

Submission:

GeneDx
Classification: Uncertain significance. Last evaluated: 2021-04-16. Review status: criteria provided, single submitter. Criteria: GeneDx Variant Classification Process June 2021. Collection method: clinical testing. Allele origin: germline. Affected: yes.
Comment: Has not been previously published as pathogenic or benign to our knowledge; Not observed at a significant frequency in large population cohorts (Lek et al., 2016); Missense variant in a gene in which most reported pathogenic variants are truncating/loss-of-function